The following is an entry in ClinVar:

ClinVar aggregate classification (germline): Uncertain significance. Review status: criteria provided, multiple submitters, no conflicts (2 of 4 stars). 2 submissions from 2 submitters: Uncertain significance (2). Last evaluated 2023-06-23.

Allele frequency attached by ClinVar (database versions not stated): gnomAD 0.00004 and 0.00005; ExAC 0.00020.
gnomAD v4.1: 75 of 1,561,430 alleles (0.0048%); highest among the groups gnomAD compares: Middle Eastern, 0.37%; no homozygotes.

Submissions (2):

Ambry Genetics
Classification: Uncertain significance. Last evaluated: 2023-06-23. Review status: criteria provided, single submitter. Criteria: Ambry Variant Classification Scheme 2023. Collection method: clinical testing. Allele origin: germline.

Labcorp Genetics (formerly Invitae), Labcorp
Classification: Uncertain significance. Last evaluated: 2022-07-15. Review status: criteria provided, single submitter. Criteria: Invitae Variant Classification Sherloc (09022015). Collection method: clinical testing. Allele origin: germline.
Comment: This sequence change replaces proline, which is neutral and non-polar, with leucine, which is neutral and non-polar, at codon 2139 of the CACNA1B protein (p.Pro2139Leu). This variant is present in population databases (rs752121300, gnomAD 0.05%). This variant has not been reported in the literature in individuals affected with CACNA1B-related conditions. ClinVar contains an entry for this variant (Variation ID: 1442090). Advanced modeling of protein sequence and biophysical properties (such as structural, functional, and spatial information, amino acid conservation, physicochemical variation, residue mobility, and thermodynamic stability) performed at Invitae indicates that this missense variant is not expected to disrupt CACNA1B protein function. In summary, the available evidence is currently insufficient to determine the role of this variant in disease. Therefore, it has been classified as a Variant of Uncertain Significance.

NM_000718.4(CACNA1B):c.6416C>T (p.Pro2139Leu)

Gene: CACNA1B (calcium voltage-gated channel subunit alpha1 B; plus strand). Cytogenetic location: 9q34.3.
Variant type: single nucleotide variant.
Coding change: c.6416C>T on transcript NM_000718.4 (MANE Select); coding-DNA position 6416, C replaced by T.
Protein change: p.Pro2139Leu; replaces proline 2139 with leucine.
Molecular consequence: missense variant.
Genome position (GRCh38, 1-based): chr9:138,120,808, C>T. VCF-style: chr9-138120808-C-T. GRCh37 (hg19) VCF-style: chr9-141015260-C-T.
Other names: c.6416C>T, p.Pro2139Leu (NM_001243812.2); c.6416C>T (NM_000718.3); short protein forms P2139L.
Identifiers: ClinVar variation 1442090 (VCV001442090.4), dbSNP rs752121300, ClinGen allele CA5377705.